The following is an entry in ClinVar:

NM_181523.3(PIK3R1):c.1042C>G (p.Arg348Gly)

Gene: PIK3R1 (phosphoinositide-3-kinase regulatory subunit 1; plus strand). Cytogenetic location: 5q13.1.
Variant type: single nucleotide variant.
Coding change: c.1042C>G on transcript NM_181523.3 (MANE Select); coding-DNA position 1042, C replaced by G.
Protein change: p.Arg348Gly; replaces arginine 348 with glycine.
Molecular consequence: missense variant. On other transcripts: 5 prime UTR variant (1).
Genome position (GRCh38, 1-based): chr5:68,293,123, C>G. VCF-style: chr5-68293123-C-G. GRCh37 (hg19) VCF-style: chr5-67588951-C-G.
Other names: c.-48C>G (NM_001242466.2); c.232C>G, p.Arg78Gly (NM_181504.4); c.142C>G, p.Arg48Gly (NM_181524.2); short protein forms R48G, R348G, R78G.
Identifiers: ClinVar variation 2941819 (VCV002941819.3), dbSNP rs1057520690, ClinGen allele CA359879061.

ClinVar aggregate classification (germline): Uncertain significance (1 of 4 stars; one submission).

Conditions:
SHORT syndrome. Also called: LIPODYSTROPHY, PARTIAL, WITH RIEGER ANOMALY AND SHORT STATURE; PIK3R1-Related SHORT Syndrome; SHORT STATURE, HYPEREXTENSIBILITY, HERNIA, OCULAR DEPRESSION, RIEGER ANOMALY, AND TEETHING DELAY. Identifiers: Orphanet 3163, MedGen C0878684, MONDO:0010026, OMIM 269880.
Agammaglobulinemia 7, autosomal recessive (AGM7). Also called: AGAMMAGLOBULINEMIA, AUTOSOMAL RECESSIVE, DUE TO PIK3R1 DEFECT. Identifiers: MedGen C3554689, MONDO:0014083, OMIM 615214.
Immunodeficiency 36 with lymphoproliferation. Also called: Immunodeficiency 36; ACTIVATED PI3K-DELTA SYNDROME 2; Activated PI3K Delta Syndrome Type 2 (APDS2). Identifiers: Orphanet 397596, Orphanet 693681, MedGen C4014934, MONDO:0014453, OMIM 616005.

Submission:

Labcorp Genetics (formerly Invitae), Labcorp
Classification: Uncertain significance for SHORT syndrome; Immunodeficiency 36 with lymphoproliferation; Agammaglobulinemia 7, autosomal recessive. Last evaluated: 2022-11-24. Review status: criteria provided, single submitter. Criteria: Invitae Variant Classification Sherloc (09022015). Collection method: clinical testing. Allele origin: germline.
Comment: This variant has not been reported in the literature in individuals affected with PIK3R1-related conditions. This variant is not present in population databases (gnomAD no frequency). This sequence change replaces arginine, which is basic and polar, with glycine, which is neutral and non-polar, at codon 348 of the PIK3R1 protein (p.Arg348Gly). Advanced modeling of protein sequence and biophysical properties (such as structural, functional, and spatial information, amino acid conservation, physicochemical variation, residue mobility, and thermodynamic stability) performed at Invitae indicates that this missense variant is expected to disrupt PIK3R1 protein function. In summary, the available evidence is currently insufficient to determine the role of this variant in disease. Therefore, it has been classified as a Variant of Uncertain Significance.